The following is an entry in ClinVar:

NM_002880.4(RAF1):c.1696G>A (p.Ala566Thr)

Gene: RAF1 (Raf-1 proto-oncogene, serine/threonine kinase; minus strand). Cytogenetic location: 3p25.2.
Variant type: single nucleotide variant.
Coding change: c.1696G>A on transcript NM_002880.4 (MANE Select); coding-DNA position 1696, G replaced by A.
Protein change: p.Ala566Thr; replaces alanine 566 with threonine.
Molecular consequence: missense variant. On other transcripts: non-coding transcript variant (3).
Genome position (GRCh38, 1-based): chr3:12,584,954, C>T on the plus strand (G>A on the coding strand, the complement: RAF1 is on the minus strand). VCF-style: chr3-12584954-C-T. GRCh37 (hg19) VCF-style: chr3-12626453-C-T.
Other names: c.1756G>A, p.Ala586Thr (NM_001354689.3); c.1696G>A, p.Ala566Thr (NM_001354690.3); c.1453G>A, p.Ala485Thr (NM_001354691.3, NM_001354692.3); c.1597G>A, p.Ala533Thr (NM_001354693.3); c.1513G>A, p.Ala505Thr (NM_001354694.3); c.1354G>A, p.Ala452Thr (NM_001354695.3); short protein forms A566T, A586T, A505T, A533T, A452T, A485T.
Identifiers: ClinVar variation 520297 (VCV000520297.6), dbSNP rs750077934, ClinGen allele CA2259428.

ClinVar aggregate classification (germline): Uncertain significance. Review status: criteria provided, multiple submitters, no conflicts (2 of 4 stars). 2 submissions from 2 submitters: Uncertain significance (2). Last evaluated 2024-03-04.

Conditions:
Cardiovascular phenotype. Identifiers: MedGen CN230736.

Allele frequency attached by ClinVar (database versions not stated): ExAC 0.00001.
gnomAD v4.1: 1 of 1,614,164 alleles (0.000062%); highest among the groups gnomAD compares: Admixed American, 0.0017%; no homozygotes.

Submissions (2):

Blueprint Genetics
Classification: Uncertain significance. Last evaluated: 2024-03-04. Review status: criteria provided, single submitter. Criteria: ACMG Guidelines, 2015. Collection method: clinical testing. Allele origin: germline.

Ambry Genetics
Classification: Uncertain significance for Cardiovascular phenotype. Last evaluated: 2016-08-24. Review status: criteria provided, single submitter. Criteria: Ambry Variant Classification Scheme 2023. Collection method: clinical testing. Allele origin: germline.
Comment: The p.A566T variant (also known as c.1696G>A), located in coding exon 15 of the RAF1 gene, results from a G to A substitution at nucleotide position 1696. The alanine at codon 566 is replaced by threonine, an amino acid with similar properties. This variant was not reported in population based cohorts in the following databases: Database of Single Nucleotide Polymorphisms (dbSNP), NHLBI Exome Sequencing Project (ESP), and 1000 Genomes Project. In the ESP, this variant was not observed in 6503 samples (13006 alleles) with coverage at this position. Based on data from ExAC, the A allele has an overall frequency of less than 0.01% (1/106182). This amino acid position is not well conserved in available vertebrate species, and threonine is the reference amino acid in other vertebrate species. In addition, this alteration is predicted to be tolerated by in silico analysis. Since supporting evidence is limited at this time, the clinical significance of this alteration remains unclear.